The following is an entry in ClinVar:

ClinVar aggregate classification (germline): Uncertain significance (1 of 4 stars; one submission).

Conditions:
Congenital sideroblastic anemia-B-cell immunodeficiency-periodic fever-developmental delay syndrome. Also called: Sideroblastic anemia with B-cell immunodeficiency, periodic fevers, and developmental delay. Identifiers: Orphanet 369861, MedGen C4015172, MONDO:0014487, OMIM 616084.

gnomAD v4.1: 1 of 1,614,108 alleles (0.000062%); highest among the groups gnomAD compares: African/African-American, 0.0013%; no homozygotes.

Submission:

Labcorp Genetics (formerly Invitae), Labcorp
Classification: Uncertain significance for Congenital sideroblastic anemia-B-cell immunodeficiency-periodic fever-developmental delay syndrome. Last evaluated: 2023-04-20. Review status: criteria provided, single submitter. Criteria: Invitae Variant Classification Sherloc (09022015). Collection method: clinical testing. Allele origin: germline.
Comment: In summary, the available evidence is currently insufficient to determine the role of this variant in disease. Therefore, it has been classified as a Variant of Uncertain Significance. Advanced modeling of protein sequence and biophysical properties (such as structural, functional, and spatial information, amino acid conservation, physicochemical variation, residue mobility, and thermodynamic stability) performed at Invitae indicates that this missense variant is not expected to disrupt TRNT1 protein function. ClinVar contains an entry for this variant (Variation ID: 1495324). This variant has not been reported in the literature in individuals affected with TRNT1-related conditions. This variant is not present in population databases (gnomAD no frequency). This sequence change replaces serine, which is neutral and polar, with alanine, which is neutral and non-polar, at codon 234 of the TRNT1 protein (p.Ser234Ala).

NM_182916.3(TRNT1):c.700T>G (p.Ser234Ala)

Gene: TRNT1 (tRNA nucleotidyl transferase 1; plus strand). Cytogenetic location: 3p26.2.
Variant type: single nucleotide variant.
Coding change: c.700T>G on transcript NM_182916.3 (MANE Select); coding-DNA position 700, T replaced by G.
Protein change: p.Ser234Ala; replaces serine 234 with alanine.
Molecular consequence: missense variant. On other transcripts: non-coding transcript variant (6).
Genome position (GRCh38, 1-based): chr3:3,146,521, T>G. VCF-style: chr3-3146521-T-G. GRCh37 (hg19) VCF-style: chr3-3188205-T-G.
Other names: c.700T>G, p.Ser234Ala (NM_001302946.2, NM_001367321.1, NM_001367322.1 and 1 more transcripts); short protein forms S234A.
Identifiers: ClinVar variation 1495324 (VCV001495324.4), dbSNP rs763684893, ClinGen allele CA351447110.